The following is an entry in ClinVar:

ClinVar aggregate classification (germline): Uncertain significance (1 of 4 stars; one submission).

Conditions:
Familial hypercholesterolemia. Also called: Familial hypercholesterolaemia. Identifiers: MedGen C0020445, MONDO:0005439.

Submission:

Color Diagnostics, LLC DBA Color Health
Classification: Uncertain significance for Familial hypercholesterolemia. Last evaluated: 2024-05-04. Review status: criteria provided, single submitter. Criteria: ACMG Guidelines, 2015. Collection method: clinical testing. Allele origin: germline.
Comment: This missense variant replaces arginine with leucine at codon 357 of the PCSK9 protein. To our knowledge, functional studies have not been reported for this variant. This variant has not been reported in individuals affected with PCSK9-related disorders in the literature. This variant has not been identified in the general population by the Genome Aggregation Database (gnomAD). The available evidence is insufficient to determine the role of this variant in disease conclusively. Therefore, this variant is classified as a Variant of Uncertain Significance.

NM_174936.4(PCSK9):c.1070_1071delinsTT (p.Arg357Leu)

Gene: PCSK9 (proprotein convertase subtilisin/kexin type 9; plus strand). Cytogenetic location: 1p32.3.
Variant type: Indel.
Coding change: c.1070_1071delinsTT on transcript NM_174936.4 (MANE Select); coding-DNA positions 1070 to 1071, GC replaced by TT.
Protein change: p.Arg357Leu; replaces arginine 357 with leucine.
Molecular consequence: missense variant. On other transcripts: non-coding transcript variant (7).
Genome position (GRCh38, 1-based): chr1:55,057,404-55,057,405, GC replaced by TT. VCF-style: chr1-55057404-GC-TT. GRCh37 (hg19) VCF-style: chr1-55523077-GC-TT.
Other names: c.1013_1014delinsTT, p.Arg338Leu (NM_001407243.1); c.1070_1071delinsTT, p.Arg357Leu (NM_001407244.1, NM_001407247.1, NM_001407241.1); c.878_879delinsTT, p.Arg293Leu (NM_001407245.1); c.695_696delinsTT, p.Arg232Leu (NM_001407246.1); c.1193_1194delinsTT, p.Arg398Leu (NM_001407240.1); c.1073_1074delinsTT, p.Arg358Leu (NM_001407242.1); short protein forms R232L, R293L, R338L, R357L, R358L, R398L.
Identifiers: ClinVar variation 3893811 (VCV003893811.1).
Genomic context (GRCh38, chr1:55,057,404, plus strand): 5'-GGGCCACCAATGCCCAAGACCAGCCGGTGACCCTGGGGACTTTGGGGACCAACTTTGGCC[GC>TT]TGTGTGGACCTCTTTGCCCCAGGGGAGGACATCATTGGTGCCTCCAGCGACTGCAGCACC-3'
Protein context (NP_777596.2, residues 347-367): TLGTLGTNFG[Arg357Leu]CVDLFAPGED